The following is an entry in ClinVar:

NM_000038.6(APC):c.6750C>T (p.Gly2250=)

Gene: APC (APC regulator of Wnt signaling pathway; plus strand). Cytogenetic location: 5q22.2.
Variant type: single nucleotide variant.
Coding change: c.6750C>T on transcript NM_000038.6 (MANE Select); coding-DNA position 6750, C replaced by T.
Protein change: p.Gly2250=; no amino-acid change (glycine 2250 retained).
Molecular consequence: synonymous variant.
Genome position (GRCh38, 1-based): chr5:112,842,344, C>T. VCF-style: chr5-112842344-C-T. GRCh37 (hg19) VCF-style: chr5-112178041-C-T.
Other names: c.6627C>T, p.Gly2209= (NM_001354900.2); c.6666C>T, p.Gly2222= (NM_001354899.2); c.6675C>T, p.Gly2225= (NM_001354898.2); c.6780C>T, p.Gly2260= (NM_001354897.2); c.6804C>T, p.Gly2268= (NM_001354896.2); c.6750C>T, p.Gly2250= (NM_001354895.2, NM_001127510.3); c.6696C>T, p.Gly2232= (NM_001127511.3); c.5901C>T, p.Gly1967= (NM_001354906.2); and 5 more.
Identifiers: ClinVar variation 135715 (VCV000135715.30), dbSNP rs555799753, ClinGen allele CA012472.

ClinVar aggregate classification (germline): Benign/Likely benign. Review status: criteria provided, multiple submitters, no conflicts (2 of 4 stars). 12 submissions from 12 submitters: Benign (1); Likely benign (11). Last evaluated 2026-01-16.

Conditions:
Classic or attenuated familial adenomatous polyposis. Identifiers: MedGen CN372698, MONDO:0021057.
Hereditary cancer-predisposing syndrome. Also called: Tumor predisposition; Hereditary neoplastic syndrome; Neoplastic Syndromes, Hereditary; Hereditary Cancer Syndrome. Identifiers: Orphanet 140162, MedGen C0027672, MeSH D009386, MONDO:0015356.
Familial adenomatous polyposis 1 (FAP1). Also called: FAMILIAL ADENOMATOUS POLYPOSIS 1, ATTENUATED; POLYPOSIS, ADENOMATOUS INTESTINAL. Identifiers: MedGen C2713442, MONDO:0021056, OMIM 175100. Disease mechanism: loss of function.

Allele frequency attached by ClinVar (database versions not stated): gnomAD exomes 0.00002 and 0.00004; ExAC 0.00003; gnomAD 0.00003; TOPMed 0.00006; 1000 Genomes Project 30x 0.00016; 1000 Genomes Project 0.00020.
gnomAD v4.1: 62 of 1,613,880 alleles (0.0038%); highest among the groups gnomAD compares: Non-Finnish European, 0.0048%; no homozygotes.

Submissions (12):

Labcorp Genetics (formerly Invitae), Labcorp
Classification: Likely benign for Familial adenomatous polyposis 1. Last evaluated: 2026-01-16. Review status: criteria provided, single submitter. Criteria: Invitae Variant Classification Sherloc (09022015). Collection method: clinical testing. Allele origin: germline.

Institute for Biomarker Research, Medical Diagnostic Laboratories, L.L.C.
Classification: Likely benign for Hereditary cancer-predisposing syndrome. Last evaluated: 2025-05-15. Review status: criteria provided, single submitter. Criteria: ACMG Guidelines, 2015. Collection method: clinical testing. Allele origin: germline.
Comment: The synonymous variant NM_000038.6(APC):c.6750C>T (p.Gly2250=) has been reported to ClinVar as Benign/Likely benign with a status of (2 stars) criteria provided, multiple submitters, no conflicts (Variation ID 135715 as of 2025-05-01). The variant is observed in one or more well-documented healthy adults. The p.Gly2250= variant is not predicted to disrupt an existing splice site. The p.Gly2250= variant results in a substitution of a base that is not predicted conserved by GERP++ and PhyloP. For these reasons, this variant has been classified as Likely Benign.

Center for Genomic Medicine, Rigshospitalet, Copenhagen University Hospital
Classification: Likely benign. Last evaluated: 2025-03-04. Review status: criteria provided, single submitter. Criteria: ACMG Guidelines, 2015. Collection method: clinical testing. Allele origin: germline.

Myriad Genetics, Inc.
Classification: Benign for Familial adenomatous polyposis 1. Last evaluated: 2024-04-05. Review status: criteria provided, single submitter. Criteria: Myriad Autosomal Dominant, Autosomal Recessive and X-Linked Classification Criteria (2023). Collection method: clinical testing. Allele origin: unknown.
Comment: This variant is considered benign. This variant is a silent/synonymous amino acid change and it is not expected to impact splicing.

All of Us Research Program, National Institutes of Health
Classification: Likely benign for Classic or attenuated familial adenomatous polyposis. Last evaluated: 2023-12-18. Review status: criteria provided, single submitter. Criteria: ACMG Guidelines, 2015. Collection method: clinical testing. Allele origin: germline. Inheritance: Autosomal dominant inheritance. Observed: 8 variant alleles, 8 heterozygotes.
Comment: This study involves interpretation of variants in research participants for the purpose of population health screening. Participant phenotype was not available at the time of variant classification. Additional details can be found in publication PMID: 35346344, PMCID: PMC8962531

Blueprint Genetics
Classification: Likely benign. Last evaluated: 2021-09-15. Review status: criteria provided, single submitter. Criteria: ACMG Guidelines, 2015. Collection method: clinical testing. Allele origin: germline.

GeneDx
Classification: Likely benign. Last evaluated: 2021-01-25. Review status: criteria provided, single submitter. Criteria: GeneDx Variant Classification Process June 2021. Collection method: clinical testing. Allele origin: germline. Affected: yes.

Women's Health and Genetics/Laboratory Corporation of America, LabCorp
Classification: Likely benign. Last evaluated: 2019-08-08. Review status: criteria provided, single submitter. Criteria: LabCorp Variant Classification Summary - May 2015. Collection method: clinical testing. Allele origin: germline.

PreventionGenetics, part of Exact Sciences
Classification: Likely benign. Last evaluated: 2018-01-04. Review status: criteria provided, single submitter. Criteria: ACMG Guidelines, 2015. Collection method: clinical testing. Allele origin: germline.

Quest Diagnostics Nichols Institute San Juan Capistrano
Classification: Likely benign. Last evaluated: 2017-04-21. Review status: criteria provided, single submitter. Criteria: Quest Diagnostics criteria. Collection method: clinical testing. Allele origin: germline.

Color Diagnostics, LLC DBA Color Health
Classification: Likely benign for Hereditary cancer-predisposing syndrome. Last evaluated: 2016-11-28. Review status: criteria provided, single submitter. Criteria: ACMG Guidelines, 2015. Collection method: clinical testing. Allele origin: germline.

Ambry Genetics
Classification: Likely benign for Hereditary cancer-predisposing syndrome. Last evaluated: 2015-09-05. Review status: criteria provided, single submitter. Criteria: Ambry Variant Classification Scheme 2023. Collection method: clinical testing. Allele origin: germline.